The following is an entry in ClinVar:

ClinVar aggregate classification (germline): Likely benign (0 of 4 stars; one submission).

Conditions:
PARN-related disorder. Also called: PARN-related disorders; PARN-related condition.

Allele frequency attached by ClinVar (database versions not stated): gnomAD exomes below 0.00001; TOPMed 0.00002.
gnomAD v4.1: 1 of 1,589,376 alleles (0.000063%); highest among the groups gnomAD compares: African/African-American, 0.0013%; no homozygotes.

Submission:

PreventionGenetics, part of Exact Sciences
Classification: Likely benign for PARN-related condition. Last evaluated: 2023-07-27. Review status: no assertion criteria provided. Collection method: clinical testing. Allele origin: germline.
Comment: This variant is classified as likely benign based on ACMG/AMP sequence variant interpretation guidelines (Richards et al. 2015 PMID: 25741868, with internal and published modifications).

NM_002582.4(PARN):c.366T>C (p.Asp122=)

Gene: PARN (poly(A)-specific ribonuclease; minus strand). Cytogenetic location: 16p13.12.
Variant type: single nucleotide variant.
Coding change: c.366T>C on transcript NM_002582.4 (MANE Select); coding-DNA position 366, T replaced by C.
Protein change: p.Asp122=; no amino-acid change (aspartic acid 122 retained).
Molecular consequence: synonymous variant.
Genome position (GRCh38, 1-based): chr16:14,617,612, A>G on the plus strand (T>C on the coding strand, the complement: PARN is on the minus strand). VCF-style: chr16-14617612-A-G. GRCh37 (hg19) VCF-style: chr16-14711469-A-G.
Other names: c.183T>C, p.Asp61= (NM_001134477.3); c.228T>C, p.Asp76= (NM_001242992.2).
Identifiers: ClinVar variation 3047588 (VCV003047588.2), dbSNP rs888389571, ClinGen allele CA278538092.
Genomic context (GRCh38, chr16:14,617,612, plus strand): 5'-GTTTATAAGCTCTAAAGATAGGTTACCCATAATCTTACCATTTCGAAAAACTTTATTAAA[A>G]TCAAATCCCTGGCTTGCTAGAAAGTCAATGCTGGAGCTCTGAAACAGAGTAAACAGAACA-3'
Protein context (NP_002573.1, residues 112-132): SIDFLASQGF[Asp122=]FNKVFRNGIP